The following is an entry in ClinVar:

ClinVar aggregate classification (germline): Uncertain significance. Review status: criteria provided, multiple submitters, no conflicts (2 of 4 stars). 3 submissions from 3 submitters: Uncertain significance (3). Last evaluated 2025-06-04.

Conditions:
Nemaline myopathy 8 (NEM8). Also called: Nemaline myopathy 8, autosomal recessive. Identifiers: Orphanet 171430, MedGen C3809209, MONDO:0014138, OMIM 615348.

Allele frequency attached by ClinVar (database versions not stated): TOPMed below 0.00001; gnomAD exomes 0.00001; ExAC 0.00002; ESP Exome Variant Server 0.00008.
gnomAD v4.1: 6 of 1,611,856 alleles (0.00037%); highest among the groups gnomAD compares: South Asian, 0.0033%; no homozygotes.

Submissions (3):

Revvity Omics, Revvity
Classification: Uncertain significance for Nemaline myopathy 8. Last evaluated: 2025-06-04. Review status: criteria provided, single submitter. Criteria: ACMG Guidelines, 2015. Collection method: clinical testing. Allele origin: germline.

Labcorp Genetics (formerly Invitae), Labcorp
Classification: Uncertain significance for Nemaline myopathy 8. Last evaluated: 2022-08-23. Review status: criteria provided, single submitter. Criteria: Invitae Variant Classification Sherloc (09022015). Collection method: clinical testing. Allele origin: germline.
Comment: Algorithms developed to predict the effect of missense changes on protein structure and function (SIFT, PolyPhen-2, Align-GVGD) all suggest that this variant is likely to be disruptive. In summary, the available evidence is currently insufficient to determine the role of this variant in disease. Therefore, it has been classified as a Variant of Uncertain Significance. This sequence change replaces serine, which is neutral and polar, with phenylalanine, which is neutral and non-polar, at codon 115 of the KLHL40 protein (p.Ser115Phe). This variant is present in population databases (rs371748730, gnomAD 0.006%). This missense change has been observed in individual(s) with clinical features of nemaline myopathy (Invitae). In at least one individual the data is consistent with being in trans (on the opposite chromosome) from a pathogenic variant. ClinVar contains an entry for this variant (Variation ID: 661064).

Neuberg Centre For Genomic Medicine, NCGM
Classification: Uncertain significance for Nemaline myopathy 8. Review status: criteria provided, single submitter. Criteria: ACMG Guidelines, 2015. Collection method: clinical testing. Allele origin: germline. Inheritance: Autosomal dominant inheritance. Affected: yes.

NM_152393.4(KLHL40):c.344C>T (p.Ser115Phe)

Gene: KLHL40 (kelch like family member 40; plus strand). Cytogenetic location: 3p22.1.
Variant type: single nucleotide variant.
Coding change: c.344C>T on transcript NM_152393.4 (MANE Select); coding-DNA position 344, C replaced by T.
Protein change: p.Ser115Phe; replaces serine 115 with phenylalanine.
Molecular consequence: missense variant.
Genome position (GRCh38, 1-based): chr3:42,685,962, C>T. VCF-style: chr3-42685962-C-T. GRCh37 (hg19) VCF-style: chr3-42727454-C-T.
Other names: short protein forms S115F.
Identifiers: ClinVar variation 661064 (VCV000661064.7), dbSNP rs371748730, ClinGen allele CA2336632.